The following is an entry in ClinVar:

NC_000002.11:g.(?_233127907)_(233128160_?)del

Gene: DIS3L2 (DIS3 like 3'-5' exoribonuclease 2; plus strand). Cytogenetic location: 2q37.1.
Variant type: Deletion.
Identifiers: ClinVar variation 2427363 (VCV002427363.4).

ClinVar aggregate classification (germline): Uncertain significance (1 of 4 stars; one submission).

Conditions:
Perlman syndrome (PRLMNS). Identifiers: Orphanet 2849, MedGen C0796113, MONDO:0009965, OMIM 267000.

Submission:

Labcorp Genetics (formerly Invitae), Labcorp
Classification: Uncertain significance for Perlman syndrome. Last evaluated: 2022-03-21. Review status: criteria provided, single submitter. Criteria: Invitae Variant Classification Sherloc (09022015). Collection method: clinical testing. Allele origin: germline.
Comment: In summary, the available evidence is currently insufficient to determine the role of this variant in disease. Therefore, it has been classified as a Variant of Uncertain Significance. Experimental studies and prediction algorithms are not available or were not evaluated, and the functional significance of this variant is currently unknown. This variant has not been reported in the literature in individuals affected with DIS3L2-related conditions. This variant is a gross deletion of the genomic region encompassing exon(s) 13 of the DIS3L2 gene. This variant would be expected to be in-frame, preserving the integrity of the reading frame.